The following is an entry in ClinVar:

ClinVar aggregate classification (germline): Uncertain significance. Review status: criteria provided, multiple submitters, no conflicts (2 of 4 stars). 2 submissions from 2 submitters: Uncertain significance (2). Last evaluated 2022-10-12.

Conditions:
Hereditary cancer-predisposing syndrome. Also called: Neoplastic Syndromes, Hereditary; Tumor predisposition; Hereditary Cancer Syndrome; Hereditary neoplastic syndrome. Identifiers: Orphanet 140162, MedGen C0027672, MeSH D009386, MONDO:0015356.

Allele frequency attached by ClinVar (database versions not stated): gnomAD exomes below 0.00001.
gnomAD v4.1: 1 of 1,613,542 alleles (0.000062%); highest among the groups gnomAD compares: Non-Finnish European, 0.000085%; no homozygotes.

Submissions (2):

Ambry Genetics
Classification: Uncertain significance for Hereditary cancer-predisposing syndrome. Last evaluated: 2022-10-12. Review status: criteria provided, single submitter. Criteria: Ambry Variant Classification Scheme 2023. Collection method: clinical testing. Allele origin: germline.
Comment: The p.D515N variant (also known as c.1543G>A), located in coding exon 10 of the RAD50 gene, results from a G to A substitution at nucleotide position 1543. The aspartic acid at codon 515 is replaced by asparagine, an amino acid with highly similar properties. This amino acid position is highly conserved in available vertebrate species. In addition, this alteration is predicted to be tolerated by in silico analysis. Since supporting evidence is limited at this time, the clinical significance of this alteration remains unclear.

Labcorp Genetics (formerly Invitae), Labcorp
Classification: Uncertain significance for Hereditary cancer-predisposing syndrome. Last evaluated: 2022-07-25. Review status: criteria provided, single submitter. Criteria: Invitae Variant Classification Sherloc (09022015). Collection method: clinical testing. Allele origin: germline.
Comment: In summary, the available evidence is currently insufficient to determine the role of this variant in disease. Therefore, it has been classified as a Variant of Uncertain Significance. Algorithms developed to predict the effect of missense changes on protein structure and function are either unavailable or do not agree on the potential impact of this missense change (SIFT: "Tolerated"; PolyPhen-2: "Probably Damaging"; Align-GVGD: "Class C0"). This sequence change replaces aspartic acid, which is acidic and polar, with asparagine, which is neutral and polar, at codon 515 of the RAD50 protein (p.Asp515Asn). ClinVar contains an entry for this variant (Variation ID: 819510). This variant has not been reported in the literature in individuals affected with RAD50-related conditions. This variant is not present in population databases (gnomAD no frequency).

NM_005732.4(RAD50):c.1543G>A (p.Asp515Asn)

Gene: RAD50 (RAD50 double strand break repair protein; plus strand). Cytogenetic location: 5q31.1.
Variant type: single nucleotide variant.
Coding change: c.1543G>A on transcript NM_005732.4 (MANE Select); coding-DNA position 1543, G replaced by A.
Protein change: p.Asp515Asn; replaces aspartic acid 515 with asparagine.
Molecular consequence: missense variant.
Genome position (GRCh38, 1-based): chr5:132,591,314, G>A. VCF-style: chr5-132591314-G-A. GRCh37 (hg19) VCF-style: chr5-131927006-G-A.
Other names: short protein forms D515N.
Identifiers: ClinVar variation 819510 (VCV000819510.13), dbSNP rs1554098409, ClinGen allele CA360945816.